The following is an entry in ClinVar:

NM_000169.3(GLA):c.756_757del (p.Arg252fs)

Genes: GLA (galactosidase alpha; minus strand), RPL36A-HNRNPH2 (RPL36A-HNRNPH2 readthrough; plus strand). Cytogenetic location: Xq22.1.
Variant type: Deletion.
Coding change: c.756_757del on transcript NM_000169.3 (MANE Select); coding-DNA positions 756 to 757, 2 bases deleted (AA; older notation c.756_757delAA).
Protein change: p.Arg252fs; shifts the reading frame from arginine 252.
Molecular consequence: frameshift variant. On other transcripts: non-coding transcript variant (3), intron variant (2).
Genome position (GRCh38, 1-based): chrX:101,398,829-101,398,830, TT deleted on the plus strand (AA on the coding strand, the reverse complement: GLA is on the minus strand). VCF-style (leftmost placement, unchanged base first): chrX-101398828-ATT-A. GRCh37 (hg19) VCF-style: chrX-100653816-ATT-A.
Other names: c.879_880del, p.Arg293fs (NM_001406747.1); c.756_757del, p.Arg252fs (NM_001406748.1); c.300+3372_300+3373del (NM_001199973.2); c.177+7007_177+7008del (NM_001199974.2); short protein forms R252fs, R293fs.
Identifiers: ClinVar variation 4974921 (VCV004974921.1).

ClinVar aggregate classification (germline): Pathogenic (1 of 4 stars; one submission).

Conditions:
Fabry disease. Also called: Fabry's disease; ALPHA-GALACTOSIDASE A DEFICIENCY; ANDERSON-FABRY DISEASE; CERAMIDE TRIHEXOSIDASE DEFICIENCY; GLA DEFICIENCY; HEREDITARY DYSTOPIC LIPIDOSIS. Identifiers: Orphanet 324, MedGen C0002986, MONDO:0010526, OMIM 301500, HP:0001071. Disease mechanism: Fabry disease is due to inactivating mutations in the X-linked GLA gene resulting in deficiency of the enzyme Alpha Galactosidase-A., loss of function.

Submission:

Genomenon, Inc
Classification: Pathogenic for Fabry disease. Last evaluated: 2026-09-08. Review status: criteria provided, single submitter. Criteria: Genomenon Sequence Variant Interpretation Standards - Updated. Collection method: curation. Allele origin: germline. Affected: yes.
Comment: GLA p.Arg252SerfsTer3 (c.756_757del) is a frameshift variant that is predicted to introduce a premature termination codon and result in a truncated or absent protein product. This variant has been observed in at least one proband with clinical features consistent with Fabry disease (PMID:27356758). It is absent or not present at a significant frequency in gnomAD. In conclusion, we classify GLA p.Arg252SerfsTer3 (c.756_757del) as a pathogenic variant.

Literature cited by the submitters: PubMed 27356758.